The following is an entry in ClinVar:

NM_003054.6(SLC18A2):c.605del (p.Ala202fs)

Gene: SLC18A2 (solute carrier family 18 member A2; plus strand). Cytogenetic location: 10q25.3.
Variant type: Deletion.
Coding change: c.605del on transcript NM_003054.6 (MANE Select); coding-DNA position 605, one base deleted (C; older notation c.605delC).
Protein change: p.Ala202fs; shifts the reading frame from alanine 202.
Molecular consequence: frameshift variant.
Genome position (GRCh38, 1-based): chr10:117,254,129, C deleted. VCF-style (leftmost placement, unchanged base first): chr10-117254128-GC-G. GRCh37 (hg19) VCF-style: chr10-119013639-GC-G.
Other names: short protein forms A202fs.
Identifiers: ClinVar variation 2060871 (VCV002060871.4), dbSNP rs2493539512, ClinGen allele CA2580082391.
Genomic context (GRCh38, chr10:117,254,128, plus strand): 5'-TATGCCTTCCTGCTGATTGCCAGGTCGCTGCAGGGCATCGGCTCGTCCTGCTCCTCTGTG[GC>G]TGGTAGGTGTGGAATGCCTGAGTGAGTTCGTGAGGGGCCCCTTGCAGAGTGAGCTGGACT-3'

ClinVar aggregate classification (germline): Pathogenic (1 of 4 stars; one submission).

Submission:

Labcorp Genetics (formerly Invitae), Labcorp
Classification: Pathogenic. Last evaluated: 2024-01-17. Review status: criteria provided, single submitter. Criteria: Invitae Variant Classification Sherloc (09022015). Collection method: clinical testing. Allele origin: germline.
Comment: This sequence change creates a premature translational stop signal (p.Ala202Valfs*32) in the SLC18A2 gene. It is expected to result in an absent or disrupted protein product. Loss-of-function variants in SLC18A2 are known to be pathogenic (PMID: 26539891, 31618753). This variant is not present in population databases (gnomAD no frequency). This variant has not been reported in the literature in individuals affected with SLC18A2-related conditions. ClinVar contains an entry for this variant (Variation ID: 2060871). Algorithms developed to predict the effect of sequence changes on RNA splicing suggest that this variant may disrupt the consensus splice site. For these reasons, this variant has been classified as Pathogenic.

Literature cited by the submitters: PubMed 26539891; PubMed 31618753.